The following is an entry in ClinVar:

ClinVar aggregate classification (germline): Uncertain significance (1 of 4 stars; one submission).

Conditions:
Chédiak-Higashi syndrome (CHS). Also called: Chediak-Higashi Syndrome. Identifiers: Orphanet 167, MedGen C0007965, MONDO:0008963, OMIM 214500.

Allele frequency attached by ClinVar (database versions not stated): ExAC 0.00001.

Submission:

Labcorp Genetics (formerly Invitae), Labcorp
Classification: Uncertain significance for Chédiak-Higashi syndrome. Last evaluated: 2021-08-26. Review status: criteria provided, single submitter. Criteria: Invitae Variant Classification Sherloc (09022015). Collection method: clinical testing. Allele origin: germline.
Comment: This sequence change replaces proline with serine at codon 2302 of the LYST protein (p.Pro2302Ser). The proline residue is weakly conserved and there is a moderate physicochemical difference between proline and serine. This variant is present in population databases (rs780934955, ExAC 0.01%). This variant has not been reported in the literature in individuals affected with LYST-related conditions. Algorithms developed to predict the effect of missense changes on protein structure and function are either unavailable or do not agree on the potential impact of this missense change (SIFT: "Tolerated"; PolyPhen-2: "Probably Damaging"; Align-GVGD: "Class C0"). In summary, the available evidence is currently insufficient to determine the role of this variant in disease. Therefore, it has been classified as a Variant of Uncertain Significance.

NM_000081.4(LYST):c.6904C>T (p.Pro2302Ser)

Gene: LYST (lysosomal trafficking regulator; minus strand). Cytogenetic location: 1q42.3.
Variant type: single nucleotide variant.
Coding change: c.6904C>T on transcript NM_000081.4 (MANE Select); coding-DNA position 6904, C replaced by T.
Protein change: p.Pro2302Ser; replaces proline 2302 with serine.
Molecular consequence: missense variant.
Genome position (GRCh38, 1-based): chr1:235,757,436, G>A on the plus strand (C>T on the coding strand, the complement: LYST is on the minus strand). VCF-style: chr1-235757436-G-A. GRCh37 (hg19) VCF-style: chr1-235920736-G-A.
Other names: c.6904C>T, p.Pro2302Ser (NM_001301365.1); short protein forms P2302S.
Identifiers: ClinVar variation 1495766 (VCV001495766.5), dbSNP rs780934955, ClinGen allele CA1466264.